The following is an entry in ClinVar:

ClinVar aggregate classification (germline): Pathogenic. Review status: criteria provided, multiple submitters, no conflicts (2 of 4 stars). 2 submissions from 2 submitters: Pathogenic (2). Last evaluated 2024-03-29.

Submissions (2):

Labcorp Genetics (formerly Invitae), Labcorp
Classification: Pathogenic. Last evaluated: 2024-03-29. Review status: criteria provided, single submitter. Criteria: Invitae Variant Classification Sherloc (09022015). Collection method: clinical testing. Allele origin: germline.
Comment: This sequence change creates a premature translational stop signal (p.Phe41Serfs*10) in the DYM gene. It is expected to result in an absent or disrupted protein product. Loss-of-function variants in DYM are known to be pathogenic (PMID: 12491225, 12554689, 18996921). This variant is not present in population databases (gnomAD no frequency). This variant has not been reported in the literature in individuals affected with DYM-related conditions. ClinVar contains an entry for this variant (Variation ID: 195317). For these reasons, this variant has been classified as Pathogenic.

Eurofins Ntd Llc (ga)
Classification: Pathogenic. Last evaluated: 2015-01-06. Review status: criteria provided, single submitter. Criteria: EGL Classification Definitions 2015. Collection method: clinical testing. Allele origin: germline. Observed: 2 variant alleles, 2 heterozygotes.

Literature cited by the submitters: PubMed 12491225 (cited by Labcorp Genetics (formerly Invitae), Labcorp); PubMed 12554689 (cited by Labcorp Genetics (formerly Invitae), Labcorp); PubMed 18996921 (cited by Labcorp Genetics (formerly Invitae), Labcorp).

NM_001353214.3(DYM):c.122del (p.Phe41fs)

Gene: DYM (dymeclin; minus strand). Cytogenetic location: 18q21.1.
Variant type: Deletion.
Coding change: c.122del on transcript NM_001353214.3 (MANE Select); coding-DNA position 122, one base deleted (T; older notation c.122delT).
Protein change: p.Phe41fs; shifts the reading frame from phenylalanine 41.
Molecular consequence: frameshift variant.
Genome position (GRCh38, 1-based): chr18:49,430,273, A deleted on the plus strand (T on the coding strand, the reverse complement: DYM is on the minus strand); the first of 3 consecutive A bases (chr18:49,430,273-49,430,275); deleting any one gives the same sequence. VCF-style (leftmost placement, unchanged base first): chr18-49430272-GA-G. GRCh37 (hg19) VCF-style: chr18-46956642-GA-G.
Other names: c.122del, p.Phe41fs (NM_001353210.3, NM_001353211.3, NM_001353212.3 and 21 more transcripts); short protein forms F41fs.
Identifiers: ClinVar variation 195317 (VCV000195317.7), dbSNP rs794727290, ClinGen allele CA201665.